The following is an entry in ClinVar:

ClinVar aggregate classification (germline): Uncertain significance. Review status: criteria provided, multiple submitters, no conflicts (2 of 4 stars). 2 submissions from 2 submitters: Uncertain significance (2). Last evaluated 2021-08-27.

Conditions:
Spastic paraplegia. Identifiers: MedGen C0037772, HP:0001258.
Hereditary spastic paraplegia. Also called: Familial spastic paraparesis. Identifiers: Orphanet 685, MedGen C0037773, MONDO:0019064. Disease mechanism: loss of function.

Allele frequency attached by ClinVar (database versions not stated): gnomAD exomes below 0.00001; gnomAD 0.00001; TOPMed 0.00002.
gnomAD v4.1: 6 of 1,611,940 alleles (0.00037%); highest among the groups gnomAD compares: Non-Finnish European, 0.00042%; no homozygotes.

Submissions (2):

Labcorp Genetics (formerly Invitae), Labcorp
Classification: Uncertain significance for Spastic paraplegia. Last evaluated: 2021-08-27. Review status: criteria provided, single submitter. Criteria: Invitae Variant Classification Sherloc (09022015). Collection method: clinical testing. Allele origin: germline.
Comment: This sequence change falls in intron 31 of the ZFYVE26 gene. It does not directly change the encoded amino acid sequence of the ZFYVE26 protein. It affects a nucleotide within the consensus splice site of the intron. This variant is not present in population databases (ExAC no frequency). This variant has not been reported in the literature in individuals affected with ZFYVE26-related conditions. Variants that disrupt the consensus splice site are a relatively common cause of aberrant splicing (PMID: 17576681, 9536098). Algorithms developed to predict the effect of sequence changes on RNA splicing suggest that this variant is not likely to affect RNA splicing. In summary, the available evidence is currently insufficient to determine the role of this variant in disease. Therefore, it has been classified as a Variant of Uncertain Significance.

Genome Diagnostics Laboratory, The Hospital for Sick Children
Classification: Uncertain significance for Hereditary spastic paraplegia. Last evaluated: 2021-01-22. Review status: criteria provided, single submitter. Criteria: ACMG Guidelines, 2015. Collection method: clinical testing. Allele origin: germline. Affected: yes.

Literature cited by the submitters: PubMed 17576681 (cited by Labcorp Genetics (formerly Invitae), Labcorp); PubMed 9536098 (cited by Labcorp Genetics (formerly Invitae), Labcorp).

NM_015346.4(ZFYVE26):c.5791-3C>T

Gene: ZFYVE26 (zinc finger FYVE-type containing 26; minus strand). Cytogenetic location: 14q24.1.
Variant type: single nucleotide variant.
Coding change: c.5791-3C>T on transcript NM_015346.4 (MANE Select); 3 bases into the intron before coding-DNA position 5791, C replaced by T.
Molecular consequence: intron variant.
Genome position (GRCh38, 1-based): chr14:67,766,450, G>A on the plus strand (C>T on the coding strand, the complement: ZFYVE26 is on the minus strand). VCF-style: chr14-67766450-G-A. GRCh37 (hg19) VCF-style: chr14-68233167-G-A.
Identifiers: ClinVar variation 573887 (VCV000573887.9), dbSNP rs1334379838, ClinGen allele CA614777604.